The following is an entry in ClinVar:

NM_006329.4(FBLN5):c.26C>T (p.Thr9Ile)

Gene: FBLN5 (fibulin 5; minus strand). Cytogenetic location: 14q32.12.
Variant type: single nucleotide variant.
Coding change: c.26C>T on transcript NM_006329.4 (MANE Select); coding-DNA position 26, C replaced by T.
Protein change: p.Thr9Ile; replaces threonine 9 with isoleucine.
Molecular consequence: missense variant. On other transcripts: 5 prime UTR variant (2).
Genome position (GRCh38, 1-based): chr14:91,942,953, G>A on the plus strand (C>T on the coding strand, the complement: FBLN5 is on the minus strand). VCF-style: chr14-91942953-G-A. GRCh37 (hg19) VCF-style: chr14-92409297-G-A.
Other names: c.-244C>T (NM_001384161.1, NM_001384162.1); c.26C>T, p.Thr9Ile (NM_001384158.1, NM_001384160.1); c.77C>T, p.Thr26Ile (NM_001384159.1); short protein forms T9I, T26I.
Identifiers: ClinVar variation 4721411 (VCV004721411.1).

ClinVar aggregate classification (germline): Uncertain significance (1 of 4 stars; one submission).

Submission:

Labcorp Genetics (formerly Invitae), Labcorp
Classification: Uncertain significance. Last evaluated: 2025-12-17. Review status: criteria provided, single submitter. Criteria: Invitae Variant Classification Sherloc (09022015). Collection method: clinical testing. Allele origin: germline.
Comment: This sequence change replaces threonine, which is neutral and polar, with isoleucine, which is neutral and non-polar, at codon 9 of the FBLN5 protein (p.Thr9Ile). This variant is not present in population databases (gnomAD no frequency). This variant has not been reported in the literature in individuals affected with FBLN5-related conditions. An algorithm developed to predict the effect of missense changes on protein structure and function (PolyPhen-2) suggests that this variant is likely to be tolerated. In summary, the available evidence is currently insufficient to determine the role of this variant in disease. Therefore, it has been classified as a Variant of Uncertain Significance.